The following is an entry in ClinVar:

NM_000188.3(HK1):c.1384C>T (p.Arg462Cys)

Gene: HK1 (hexokinase 1; plus strand). Cytogenetic location: 10q22.1.
Variant type: single nucleotide variant.
Coding change: c.1384C>T on transcript NM_000188.3 (MANE Select); coding-DNA position 1384, C replaced by T.
Protein change: p.Arg462Cys; replaces arginine 462 with cysteine.
Molecular consequence: missense variant.
Genome position (GRCh38, 1-based): chr10:69,382,605, C>T. VCF-style: chr10-69382605-C-T. GRCh37 (hg19) VCF-style: chr10-71142361-C-T.
Other names: c.1396C>T, p.Arg466Cys (NM_001322364.2, NM_001358263.1, NM_033497.3 and 1 more transcripts); c.1489C>T, p.Arg497Cys (NM_001322365.2); c.1300C>T, p.Arg434Cys (NM_001322366.1); c.1288C>T, p.Arg430Cys (NM_001322367.1); c.1381C>T, p.Arg461Cys (NM_033496.3); c.1348C>T, p.Arg450Cys (NM_033500.2); short protein forms R430C, R434C, R450C, R461C, R462C, R466C, R497C.
Identifiers: ClinVar variation 2689215 (VCV002689215.4), dbSNP rs2540422125, ClinGen allele CA376909747.

ClinVar aggregate classification (germline): Uncertain significance. Review status: criteria provided, multiple submitters, no conflicts (2 of 4 stars). 2 submissions from 2 submitters: Uncertain significance (2). Last evaluated 2026-04-14.

Submissions (2):

Dasa
Classification: Uncertain significance. Last evaluated: 2026-04-14. Review status: criteria provided, single submitter. Criteria: DASA Assertion Criteria. Collection method: clinical testing. Allele origin: germline.
Comment: NM_000188.3(HK1):c.1384C>T (p.Arg462Cys) is a missense variant that results in the substitution of arginine with cysteine. This variant is absent from population databases. Computational prediction algorithms are consistent with a deleterious effect. The currently available literature and clinical evidence are not sufficient to establish a definitive association between this variant and the reported condition. Therefore, this variant is classified as a variant of uncertain significance.

Revvity Omics, Revvity
Classification: Uncertain significance. Last evaluated: 2023-07-17. Review status: criteria provided, single submitter. Criteria: ACMG Guidelines, 2015. Collection method: clinical testing. Allele origin: germline.